The following is an entry in ClinVar:

NM_000179.3(MSH6):c.2028A>T (p.Lys676Asn)

Gene: MSH6 (mutS homolog 6; plus strand). Cytogenetic location: 2p16.3.
Variant type: single nucleotide variant.
Coding change: c.2028A>T on transcript NM_000179.3 (MANE Select); coding-DNA position 2028, A replaced by T.
Protein change: p.Lys676Asn; replaces lysine 676 with asparagine.
Molecular consequence: missense variant. On other transcripts: intron variant (2), non-coding transcript variant (5).
Genome position (GRCh38, 1-based): chr2:47,800,011, A>T. VCF-style: chr2-47800011-A-T. GRCh37 (hg19) VCF-style: chr2-48027150-A-T.
Other names: c.1606+422A>T (NM_001406817.1); c.628-655A>T (NM_001407362.1); c.2124A>T, p.Lys708Asn (NM_001406795.1, NM_001406802.1); c.2028A>T, p.Lys676Asn (NM_001406796.1, NM_001406798.1, NM_001406800.1 and 3 more transcripts); c.1731A>T, p.Lys577Asn (NM_001406797.1, NM_001406801.1, NM_001406818.1 and 10 more transcripts); c.1503A>T, p.Lys501Asn (NM_001406799.1, NM_001406806.1, NM_001406807.1); c.1122A>T, p.Lys374Asn (NM_001406815.1, NM_001406816.1, NM_001406823.1 and 6 more transcripts); c.1860A>T, p.Lys620Asn (NM_001406826.1); and 3 more; short protein forms K546N, K501N, K676N, K374N, K577N, K620N, K650N, K678N.
Identifiers: ClinVar variation 2773645 (VCV002773645.3), dbSNP rs1669410851, ClinGen allele CA346750716.
Genomic context (GRCh38, chr2:47,800,011, plus strand): 5'-CCAGGTGCTTAAAGGTATGACTTCAGAGTCTGATTCCATTGGGTTGACACCAGGAGAGAA[A>T]AGTGAATTGGCCCTCTCTGCTCTAGGTGGTTGTGTCTTCTACCTCAAAAAATGCCTTATT-3'
Protein context (NP_000170.1, residues 666-686): SDSIGLTPGE[Lys676Asn]SELALSALGG

ClinVar aggregate classification (germline): Conflicting classifications of pathogenicity. Review status: criteria provided, conflicting classifications (1 of 4 stars). 2 submissions from 2 submitters: Uncertain significance (1); Likely benign (1). Last evaluated 2026-04-27.

Conditions:
Hereditary cancer-predisposing syndrome. Also called: Tumor predisposition; Hereditary neoplastic syndrome; Neoplastic Syndromes, Hereditary; Hereditary Cancer Syndrome. Identifiers: Orphanet 140162, MedGen C0027672, MeSH D009386, MONDO:0015356.

Submissions (2):

Ambry Genetics
Classification: Likely benign for Hereditary cancer-predisposing syndrome. Last evaluated: 2026-04-27. Review status: criteria provided, single submitter. Criteria: Ambry Variant Classification Scheme 2023. Collection method: clinical testing. Allele origin: germline.

Color Diagnostics, LLC DBA Color Health
Classification: Uncertain significance for Hereditary cancer-predisposing syndrome. Last evaluated: 2024-03-07. Review status: criteria provided, single submitter. Criteria: ACMG Guidelines, 2015. Collection method: clinical testing. Allele origin: germline.
Comment: This missense variant replaces lysine with asparagine at codon 676 of the MSH6 protein. Computational prediction suggests that this variant may not impact protein structure and function (internally defined REVEL score threshold <= 0.5, PMID: 27666373). To our knowledge, functional studies have not been reported for this variant. This variant has not been reported in individuals affected with hereditary cancer in the literature. This variant has not been identified in the general population by the Genome Aggregation Database (gnomAD). The available evidence is insufficient to determine the role of this variant in disease conclusively. Therefore, this variant is classified as a Variant of Uncertain Significance.